The following is an entry in ClinVar:

NM_152381.6(XIRP2):c.4077A>G (p.Leu1359=)

Gene: XIRP2 (xin actin binding repeat containing 2; plus strand). Cytogenetic location: 2q24.3.
Variant type: single nucleotide variant.
Coding change: c.4077A>G on transcript NM_152381.6 (MANE Select); coding-DNA position 4077, A replaced by G.
Protein change: p.Leu1359=; no amino-acid change (leucine 1359 retained).
Molecular consequence: synonymous variant. On other transcripts: intron variant (3).
Genome position (GRCh38, 1-based): chr2:167,245,469, A>G. VCF-style: chr2-167245469-A-G. GRCh37 (hg19) VCF-style: chr2-168101979-A-G.
Other names: c.3411A>G, p.Leu1137= (NM_001199144.2); c.1275+3559A>G (NM_001199143.2); c.1176+3559A>G (NM_001079810.4); c.510+3559A>G (NM_001199145.2).
Identifiers: ClinVar variation 3033175 (VCV003033175.2), dbSNP rs189474684, ClinGen allele CA1946979.

ClinVar aggregate classification (germline): Likely benign (0 of 4 stars; one submission).

Conditions:
XIRP2-related disorder. Also called: XIRP2-related condition.

Allele frequency attached by ClinVar (database versions not stated): gnomAD 0.00011; TOPMed 0.00019; ExAC 0.00032; 1000 Genomes Project 0.00120; 1000 Genomes Project 30x 0.00125.
gnomAD v4.1: 142 of 1,613,620 alleles (0.0088%); highest among the groups gnomAD compares: East Asian, 0.29%; no homozygotes.

Submission:

PreventionGenetics, part of Exact Sciences
Classification: Likely benign for XIRP2-related condition. Last evaluated: 2019-06-13. Review status: no assertion criteria provided. Collection method: clinical testing. Allele origin: germline.
Comment: This variant is classified as likely benign based on ACMG/AMP sequence variant interpretation guidelines (Richards et al. 2015 PMID: 25741868, with internal and published modifications).